The following is an entry in ClinVar:

ClinVar aggregate classification (germline): Benign. Review status: criteria provided, multiple submitters, no conflicts (2 of 4 stars). 3 submissions from 3 submitters: Benign (2). 1 of the submissions does not count toward it. Last evaluated 2026-02-02.

Conditions:
FASN-related disorder. Also called: FASN-related condition.
Epileptic encephalopathy. Identifiers: MedGen C0543888, HP:0200134.

Allele frequency attached by ClinVar (database versions not stated): gnomAD exomes 0.00092 and 0.00242; ExAC 0.00492; ESP Exome Variant Server 0.00920; gnomAD 0.00925 and 0.00997; 1000 Genomes Project 30x 0.00999; TOPMed 0.01034; 1000 Genomes Project 0.01038.

Submissions (3):

Labcorp Genetics (formerly Invitae), Labcorp
Classification: Benign for Epileptic encephalopathy. Last evaluated: 2026-02-02. Review status: criteria provided, single submitter. Criteria: Invitae Variant Classification Sherloc (09022015). Collection method: clinical testing. Allele origin: germline.

Breakthrough Genomics
Classification: Benign. Review status: criteria provided, single submitter. Criteria: ACMG Guidelines, 2015. Collection method: not provided. Allele origin: germline. Inheritance: Unknown mechanism. Affected: yes.

PreventionGenetics, part of Exact Sciences
Classification: Benign for FASN-related condition. Last evaluated: 2019-06-14. Review status: no assertion criteria provided. Collection method: clinical testing. Allele origin: germline. Not counted in ClinVar's aggregate classification.
Comment: This variant is classified as benign based on ACMG/AMP sequence variant interpretation guidelines (Richards et al. 2015 PMID: 25741868, with internal and published modifications).

NM_004104.5(FASN):c.3682C>T (p.Leu1228=)

Gene: FASN (fatty acid synthase; minus strand). Cytogenetic location: 17q25.3.
Variant type: single nucleotide variant.
Coding change: c.3682C>T on transcript NM_004104.5 (MANE Select); coding-DNA position 3682, C replaced by T.
Protein change: p.Leu1228=; no amino-acid change (leucine 1228 retained).
Molecular consequence: synonymous variant.
Genome position (GRCh38, 1-based): chr17:82,086,304, G>A on the plus strand (C>T on the coding strand, the complement: FASN is on the minus strand). VCF-style: chr17-82086304-G-A. GRCh37 (hg19) VCF-style: chr17-80044180-G-A.
Identifiers: ClinVar variation 462042 (VCV000462042.15), dbSNP rs146800506, ClinGen allele CA8852307.